The following is an entry in ClinVar:

ClinVar aggregate classification (germline): Likely benign (1 of 4 stars; one submission).

Conditions:
TRPC5-related disorder. Also called: TRPC5-related condition.

Submission:

PreventionGenetics, part of Exact Sciences
Classification: Likely benign for TRPC5-related condition. Last evaluated: 2026-02-17. Review status: criteria provided, single submitter. Criteria: ACMG Guidelines, 2015. Collection method: clinical testing. Allele origin: germline.
Comment: This variant is classified as likely benign based on ACMG/AMP sequence variant interpretation guidelines (Richards et al. 2015 PMID: 25741868, with internal and published modifications).

NM_012471.3(TRPC5):c.264A>C (p.Leu88=)

Gene: TRPC5 (transient receptor potential cation channel subfamily C member 5; minus strand). Cytogenetic location: Xq23.
Variant type: single nucleotide variant.
Coding change: c.264A>C on transcript NM_012471.3 (MANE Select); coding-DNA position 264, A replaced by C.
Protein change: p.Leu88=; no amino-acid change (leucine 88 retained).
Molecular consequence: synonymous variant.
Genome position (GRCh38, 1-based): chrX:111,952,157, T>G on the plus strand (A>C on the coding strand, the complement: TRPC5 is on the minus strand). VCF-style: chrX-111952157-T-G. GRCh37 (hg19) VCF-style: chrX-111195385-T-G.
Identifiers: ClinVar variation 4989283 (VCV004989283.1).